The following is an entry in ClinVar:

ClinVar aggregate classification (germline): Uncertain significance (1 of 4 stars; one submission).

Allele frequency attached by ClinVar (database versions not stated): gnomAD exomes below 0.00001.
gnomAD v4.1: 1 of 1,613,996 alleles (0.000062%); highest among the groups gnomAD compares: Non-Finnish European, 0.000085%; no homozygotes.

Submission:

Labcorp Genetics (formerly Invitae), Labcorp
Classification: Uncertain significance. Last evaluated: 2023-02-26. Review status: criteria provided, single submitter. Criteria: Invitae Variant Classification Sherloc (09022015). Collection method: clinical testing. Allele origin: germline.
Comment: This variant is not present in population databases (gnomAD no frequency). This sequence change replaces arginine, which is basic and polar, with threonine, which is neutral and polar, at codon 955 of the POLE protein (p.Arg955Thr). RNA analysis indicates that this missense change induces altered splicing and may result in an absent or disrupted protein product. In summary, the available evidence is currently insufficient to determine the role of this variant in disease. Therefore, it has been classified as a Variant of Uncertain Significance. Variants that disrupt the consensus splice site are a relatively common cause of aberrant splicing (PMID: 17576681, 9536098). Studies have shown that this missense change results in activation of a cryptic splice site and introduces a premature termination codon (Invitae). The resulting mRNA is expected to undergo nonsense-mediated decay. An algorithm developed to predict the effect of missense changes on protein structure and function (PolyPhen-2) suggests that this variant is likely to be disruptive. This variant has not been reported in the literature in individuals affected with POLE-related conditions.

Literature cited by the submitters: PubMed 17576681; PubMed 9536098.

NM_006231.4(POLE):c.2864G>C (p.Arg955Thr)

Gene: POLE (DNA polymerase epsilon, catalytic subunit; minus strand). Cytogenetic location: 12q24.33.
Variant type: single nucleotide variant.
Coding change: c.2864G>C on transcript NM_006231.4 (MANE Select); coding-DNA position 2864, G replaced by C.
Protein change: p.Arg955Thr; replaces arginine 955 with threonine.
Molecular consequence: missense variant.
Genome position (GRCh38, 1-based): chr12:132,661,527, C>G on the plus strand (G>C on the coding strand, the complement: POLE is on the minus strand). VCF-style: chr12-132661527-C-G. GRCh37 (hg19) VCF-style: chr12-133238113-C-G.
Other names: short protein forms R955T.
Identifiers: ClinVar variation 2841193 (VCV002841193.3), dbSNP rs2542045660, ClinGen allele CA387393519.